The following is an entry in ClinVar:

NM_015215.4(CAMTA1):c.4079G>A (p.Ser1360Asn)

Genes: CAMTA1 (calmodulin binding transcription activator 1; plus strand), LOC126805603 (CDK7 strongly-dependent group 2 enhancer GRCh37_chr1:7798026-7799225; plus strand). Cytogenetic location: 1p36.23.
Variant type: single nucleotide variant.
Coding change: c.4079G>A on transcript NM_015215.4 (MANE Select); coding-DNA position 4079, G replaced by A.
Protein change: p.Ser1360Asn; replaces serine 1360 with asparagine.
Molecular consequence: missense variant.
Genome position (GRCh38, 1-based): chr1:7,738,379, G>A. VCF-style: chr1-7738379-G-A. GRCh37 (hg19) VCF-style: chr1-7798439-G-A.
Other names: c.3989G>A, p.Ser1330Asn (NM_001349608.2); c.3740G>A, p.Ser1247Asn (NM_001349609.2, NM_001349610.2, NM_001410737.1); c.3650G>A, p.Ser1217Asn (NM_001349612.2); c.1208G>A, p.Ser403Asn (NM_001349613.1); c.1151G>A, p.Ser384Asn (NM_001349614.1, NM_001349615.2, NM_001349616.2 and 2 more transcripts); c.812G>A, p.Ser271Asn (NM_001349619.2, NM_001349620.1, NM_001349621.1 and 5 more transcripts); c.3668G>A, p.Ser1223Asn (NM_001410738.1); short protein forms S1223N, S384N, S1247N, S1330N, S1360N, S403N, S1217N, S271N.
Identifiers: ClinVar variation 2908254 (VCV002908254.3), dbSNP rs960852408, ClinGen allele CA17231598.
Genomic context (GRCh38, chr1:7,738,379, plus strand): 5'-AGGGGACCAGTGTAGGAAAGGAGGCAGCACCTTCACAGGTGCGTCCACGGGAACCAATGA[G>A]TGTCCTGATGATGGCTAACAGAGAGGTGGTGAATACAGAGCTGGGGTCCTACCGTGATAG-3'
Protein context (NP_056030.1, residues 1350-1370): PSQVRPREPM[Ser1360Asn]VLMMANREVV

ClinVar aggregate classification (germline): Uncertain significance (1 of 4 stars; one submission).

Allele frequency attached by ClinVar (database versions not stated): gnomAD exomes below 0.00001; gnomAD 0.00001; TOPMed 0.00001.
gnomAD v4.1: 6 of 1,614,110 alleles (0.00037%); highest among the groups gnomAD compares: Admixed American, 0.005%; no homozygotes.

Submission:

Labcorp Genetics (formerly Invitae), Labcorp
Classification: Uncertain significance. Last evaluated: 2024-06-03. Review status: criteria provided, single submitter. Criteria: Invitae Variant Classification Sherloc (09022015). Collection method: clinical testing. Allele origin: germline.
Comment: This sequence change replaces serine, which is neutral and polar, with asparagine, which is neutral and polar, at codon 1360 of the CAMTA1 protein (p.Ser1360Asn). This variant is present in population databases (no rsID available, gnomAD 0.0009%). This variant has not been reported in the literature in individuals affected with CAMTA1-related conditions. An algorithm developed to predict the effect of missense changes on protein structure and function (PolyPhen-2) suggests that this variant is likely to be tolerated. In summary, the available evidence is currently insufficient to determine the role of this variant in disease. Therefore, it has been classified as a Variant of Uncertain Significance.